The following is an entry in ClinVar:

NM_001089.3(ABCA3):c.557C>T (p.Pro186Leu)

Gene: ABCA3 (ATP binding cassette subfamily A member 3; minus strand). Cytogenetic location: 16p13.3.
Variant type: single nucleotide variant.
Coding change: c.557C>T on transcript NM_001089.3 (MANE Select); coding-DNA position 557, C replaced by T.
Protein change: p.Pro186Leu; replaces proline 186 with leucine.
Molecular consequence: missense variant.
Genome position (GRCh38, 1-based): chr16:2,323,579, G>A on the plus strand (C>T on the coding strand, the complement: ABCA3 is on the minus strand). VCF-style: chr16-2323579-G-A. GRCh37 (hg19) VCF-style: chr16-2373580-G-A.
Other names: short protein forms P186L.
Identifiers: ClinVar variation 1748408 (VCV001748408.5), dbSNP rs1297025959, ClinGen allele CA394349376.
Genomic context (GRCh38, chr16:2,323,579, plus strand): 5'-TCACCAGGTTCTCCGCCATCAGGGGATGTAGGTTCCCTTGGTCCTGGGTTTGGGAAAAGC[G>A]GGAAAAGGGAAGTAGTGTGCCAGCCTTCTGTCTCTTTCAGGAAAAAGGAGCCTGTTTGGG-3'
Protein context (NP_001080.2, residues 176-196): TEGWHTTSLF[Pro186Leu]LFPNPGPREP

ClinVar aggregate classification (germline): Likely pathogenic. Review status: criteria provided, multiple submitters, no conflicts (2 of 4 stars). 3 submissions from 3 submitters: Likely pathogenic (3). Last evaluated 2025-07-10.

Conditions:
Interstitial lung disease due to ABCA3 deficiency. Also called: PULMONARY ALVEOLAR PROTEINOSIS, CONGENITAL, 3. Identifiers: Orphanet 440402, MedGen C1970456, MONDO:0012582, OMIM 610921.
Hereditary pulmonary alveolar proteinosis. Also called: Pulmonary surfactant metabolism dysfunction. Identifiers: Orphanet 264675, MedGen C3711368, MONDO:0012580.

Allele frequency attached by ClinVar (database versions not stated): gnomAD exomes below 0.00001.
gnomAD v4.1: 6 of 1,614,144 alleles (0.00037%); highest among the groups gnomAD compares: Admixed American, 0.0033%; no homozygotes.

Submissions (3):

Myriad Genetics, Inc.
Classification: Likely pathogenic for Interstitial lung disease due to ABCA3 deficiency. Last evaluated: 2025-07-10. Review status: criteria provided, single submitter. Criteria: Myriad Autosomal Dominant, Autosomal Recessive and X-Linked Classification Criteria (2023). Collection method: clinical testing. Allele origin: unknown.
Comment: NM_001089.2(ABCA3):c.557C>T(P186L) is a missense variant classified as likely pathogenic in the context of surfactant deficiency, ABCA3-related. P186L has been observed in cases with relevant disease (PMID: 37905769, 24871971, Yadav_2021_(Article), Sanz-Fernandez_2022_(Article)). Relevant functional assessments of this variant are not available in the literature. P186L has been observed in referenced population frequency databases. In summary, NM_001089.2(ABCA3):c.557C>T(P186L) is a missense variant that has been observed more frequently in cases with the relevant disease than in healthy populations. Please note: this variant was assessed in the context of healthy population screening.

Women's Health and Genetics/Laboratory Corporation of America, LabCorp
Classification: Likely pathogenic for Interstitial lung disease due to ABCA3 deficiency. Last evaluated: 2024-10-10. Review status: criteria provided, single submitter. Criteria: LabCorp Variant Classification Summary - May 2015. Collection method: clinical testing. Allele origin: germline.
Comment: Variant summary: ABCA3 c.557C>T (p.Pro186Leu) results in a non-conservative amino acid change in the encoded protein sequence. Five of five in-silico tools predict a damaging effect of the variant on protein function. The variant allele was found at a frequency of 4e-06 in 251490 control chromosomes. c.557C>T has been reported in the literature in individuals affected with lung disease and surfactant metabolism dysfunction (e.g., Wambach_2014, Fernandez_2022, Yadav_2021). These data indicate that the variant is likely to be associated with disease. To our knowledge, no experimental evidence demonstrating an impact on protein function has been reported. The following publications have been ascertained in the context of this evaluation (PMID: 24871971, DOI 10.1177/09732179221084673, DOI 10.52403/ijrr.20211104). ClinVar contains an entry for this variant (Variation ID: 1748408). Based on the evidence outlined above, the variant was classified as likely pathogenic.

Ambry Genetics
Classification: Likely pathogenic for Hereditary pulmonary alveolar proteinosis. Last evaluated: 2017-11-01. Review status: criteria provided, single submitter. Criteria: Ambry Variant Classification Scheme 2023. Collection method: clinical testing. Allele origin: germline.
Comment: The p.P186L variant (also known as c.557C>T), located in coding exon 4 of the ABCA3 gene, results from a C to T substitution at nucleotide position 557. The proline at codon 186 is replaced by leucine, an amino acid with similar properties. A likely pathogenic variant in the same codon, p.P186T, was observed in trans with a frameshift mutation in an affected infant with respiratory failure (Ciantelli M et al. J Perinatol, 2011 Jan;31:70-2). In addition, the p.P186L variant has been confirmed in trans with a pathogenic mutation in ABCA3 by our laboratory. This amino acid position is highly conserved in available vertebrate species. In addition, this alteration is predicted to be deleterious by in silico analysis. Based on the majority of available evidence to date, this variant is likely to be pathogenic.

Literature cited by the submitters: PubMed 24871971 (cited by Women's Health and Genetics/Laboratory Corporation of America, LabCorp); PubMed 21189475 (cited by Ambry Genetics).